The following is an entry in ClinVar:

ClinVar aggregate classification (germline): Uncertain significance. Review status: criteria provided, multiple submitters, no conflicts (2 of 4 stars). 6 submissions from 6 submitters: Uncertain significance (4). 2 of the submissions do not count toward it. Last evaluated 2025-06-10.

Conditions:
Cardiovascular phenotype. Identifiers: MedGen CN230736.
Hypertrophic cardiomyopathy 1 (CMH1). Also called: Familial hypertrophic cardiomyopathy 1; MYH7-Related Familial Hypertrophic Cardiomyopathy. Identifiers: MedGen C3495498, MONDO:0008647, OMIM 192600.
Dilated cardiomyopathy 1EE (CMD1EE). Identifiers: Orphanet 154, MedGen C2750466, MONDO:0013198, OMIM 613252.
Atrial septal defect 3 (ASD3). Identifiers: Orphanet 1478, MedGen C3279790, MONDO:0013567, OMIM 614089.
Hypertrophic cardiomyopathy 14. Identifiers: MedGen C2750467, MONDO:0013197, OMIM 613251.
Sick sinus syndrome 3, susceptibility to (SSS3). Identifiers: Orphanet 166282, MedGen C3279791, MONDO:0013568, OMIM 614090.

Allele frequency attached by ClinVar (database versions not stated): TOPMed below 0.00001; gnomAD 0.00001; gnomAD exomes 0.00001.
gnomAD v4.1: 8 of 1,613,042 alleles (0.0005%); highest among the groups gnomAD compares: Non-Finnish European, 0.00068%; no homozygotes.

Submissions (6):

Labcorp Genetics (formerly Invitae), Labcorp
Classification: Uncertain significance for Hypertrophic cardiomyopathy 14. Last evaluated: 2025-06-10. Review status: criteria provided, single submitter. Criteria: Invitae Variant Classification Sherloc (09022015). Collection method: clinical testing. Allele origin: germline.
Comment: This sequence change replaces alanine, which is neutral and non-polar, with valine, which is neutral and non-polar, at codon 260 of the MYH6 protein (p.Ala260Val). This variant is not present in population databases (gnomAD no frequency). This variant has not been reported in the literature in individuals affected with MYH6-related conditions. ClinVar contains an entry for this variant (Variation ID: 1284285). Invitae Evidence Modeling of protein sequence and biophysical properties (such as structural, functional, and spatial information, amino acid conservation, physicochemical variation, residue mobility, and thermodynamic stability) indicates that this missense variant is not expected to disrupt MYH6 protein function with a negative predictive value of 80%. In summary, the available evidence is currently insufficient to determine the role of this variant in disease. Therefore, it has been classified as a Variant of Uncertain Significance.

Ambry Genetics
Classification: Uncertain significance for Cardiovascular phenotype. Last evaluated: 2024-11-13. Review status: criteria provided, single submitter. Criteria: Ambry Variant Classification Scheme 2023. Collection method: clinical testing. Allele origin: germline.
Comment: The p.A260V variant (also known as c.779C>T), located in coding exon 7 of the MYH6 gene, results from a C to T substitution at nucleotide position 779. The alanine at codon 260 is replaced by valine, an amino acid with similar properties. This variant was detected in a cardiomyopathy/arrhythmia genetic testing cohort; however, clinical details were limited, and additional cardiac variants were detected in some cases (van Lint FHM et al. Neth Heart J, 2019 Jun;27:304-309). This amino acid position is highly conserved in available vertebrate species. In addition, the in silico prediction for this alteration is inconclusive. Since supporting evidence is limited at this time, the clinical significance of this alteration remains unclear.

GeneDx
Classification: Uncertain significance. Last evaluated: 2024-06-20. Review status: criteria provided, single submitter. Criteria: GeneDx Variant Classification Process June 2021. Collection method: clinical testing. Allele origin: germline. Affected: yes.
Comment: Reported in an individual with unspecified cardiac disease; this individual has another variant in the MYH7 gene (PMID: 30847666); Not observed at significant frequency in large population cohorts (gnomAD); In silico analysis supports that this missense variant has a deleterious effect on protein structure/function; This variant is associated with the following publications: (PMID: 30847666)

Fulgent Genetics
Classification: Uncertain significance for Hypertrophic cardiomyopathy 1; Hypertrophic cardiomyopathy 14; Dilated cardiomyopathy 1EE; Atrial septal defect 3; Sick sinus syndrome 3, susceptibility to. Last evaluated: 2021-11-17. Review status: criteria provided, single submitter. Criteria: ACMG Guidelines, 2015. Collection method: clinical testing. Allele origin: unknown.

Clinical Genetics DNA and cytogenetics Diagnostics Lab, Erasmus MC, Erasmus Medical Center
Classification: Uncertain significance. Review status: no assertion criteria provided. Collection method: clinical testing. Allele origin: germline. Affected: yes. Study: VKGL Data-share Consensus. Not counted in ClinVar's aggregate classification.

Clinical Genetics, Academic Medical Center
Classification: Uncertain significance. Review status: no assertion criteria provided. Collection method: clinical testing. Allele origin: germline. Affected: yes. Study: VKGL Data-share Consensus. Not counted in ClinVar's aggregate classification.

Literature cited by the submitters: PubMed 30847666 (cited by Ambry Genetics).

NM_002471.4(MYH6):c.779C>T (p.Ala260Val)

Gene: MYH6 (myosin heavy chain 6; minus strand). Cytogenetic location: 14q11.2.
Variant type: single nucleotide variant.
Coding change: c.779C>T on transcript NM_002471.4 (MANE Select); coding-DNA position 779, C replaced by T.
Protein change: p.Ala260Val; replaces alanine 260 with valine.
Molecular consequence: missense variant.
Genome position (GRCh38, 1-based): chr14:23,403,735, G>A on the plus strand (C>T on the coding strand, the complement: MYH6 is on the minus strand). VCF-style: chr14-23403735-G-A. GRCh37 (hg19) VCF-style: chr14-23872944-G-A.
Other names: short protein forms A260V.
Identifiers: ClinVar variation 1284285 (VCV001284285.11), dbSNP rs1470827277, ClinGen allele CA389028606.
Genomic context (GRCh38, chr14:23,403,735, plus strand): 5'-GGGGGACCTAGAGGGTGGCAGCCTCCCTGCTGGTACTCACAGGTCTCTATGTCTGCAGAA[G>A]CCAGCTTTCCAGTGGCCCCAAAGTGGATCCTAATGAATTTCCCCTGGGGACGAATGGGAC-3'
Protein context (NP_002462.2, residues 250-270): RIHFGATGKL[Ala260Val]SADIETYLLE